The following is an entry in ClinVar:

ClinVar aggregate classification (germline): Uncertain significance (1 of 4 stars; one submission).

Submission:

GeneDx
Classification: Uncertain significance. Last evaluated: 2024-11-11. Review status: criteria provided, single submitter. Criteria: GeneDx Variant Classification Process June 2021. Collection method: clinical testing. Allele origin: germline. Affected: yes.
Comment: Not observed at significant frequency in large population cohorts (gnomAD); In silico analysis indicates that this missense variant does not alter protein structure/function; Has not been previously published as pathogenic or benign to our knowledge

NM_001378454.1(ALMS1):c.10285A>T (p.Thr3429Ser)

Gene: ALMS1 (ALMS1 centrosome and basal body associated protein; plus strand). Cytogenetic location: 2p13.1.
Variant type: single nucleotide variant.
Coding change: c.10285A>T on transcript NM_001378454.1 (MANE Select); coding-DNA position 10285, A replaced by T.
Protein change: p.Thr3429Ser; replaces threonine 3429 with serine.
Molecular consequence: missense variant.
Genome position (GRCh38, 1-based): chr2:73,559,043, A>T. VCF-style: chr2-73559043-A-T. GRCh37 (hg19) VCF-style: chr2-73786170-A-T.
Other names: c.10288A>T, p.Thr3430Ser (NM_015120.4); short protein forms T3429S, T3430S.
Identifiers: ClinVar variation 3899131 (VCV003899131.1).